The following is an entry in ClinVar:

ClinVar aggregate classification (germline): Pathogenic (1 of 4 stars; one submission).

Conditions:
Hereditary breast ovarian cancer syndrome. Also called: Hereditary breast and/or ovarian cancer syndrome; Hereditary breast and ovarian cancer syndrome; Hereditary breast and ovarian cancer syndrome (HBOC); Breast and ovarian cancer; Hereditary breast and ovarian cancer; BRCA1- and BRCA2-Associated Hereditary Breast and Ovarian Cancer. Identifiers: Orphanet 145, MedGen C0677776, MeSH D061325, MONDO:0003582. Disease mechanism: loss of function.

Submission:

Labcorp Genetics (formerly Invitae), Labcorp
Classification: Pathogenic for Hereditary breast ovarian cancer syndrome. Last evaluated: 2023-02-08. Review status: criteria provided, single submitter. Criteria: Invitae Variant Classification Sherloc (09022015). Collection method: clinical testing. Allele origin: germline.
Comment: For these reasons, this variant has been classified as Pathogenic. This variant has not been reported in the literature in individuals affected with BRCA2-related conditions. This variant is not present in population databases (gnomAD no frequency). This sequence change creates a premature translational stop signal (p.Glu1895Thrfs*15) in the BRCA2 gene. It is expected to result in an absent or disrupted protein product. Loss-of-function variants in BRCA2 are known to be pathogenic (PMID: 20104584).

Literature cited by the submitters: PubMed 20104584.

NM_000059.4(BRCA2):c.5681_5682dup (p.Glu1895fs)

Gene: BRCA2 (BRCA2 DNA repair associated; plus strand). Cytogenetic location: 13q13.1.
Variant type: Duplication.
Coding change: c.5681_5682dup on transcript NM_000059.4 (MANE Select); coding-DNA positions 5681 to 5682, 2 bases duplicated (AC; older notation c.5681_5682dupAC).
Protein change: p.Glu1895fs; shifts the reading frame from glutamic acid 1895.
Molecular consequence: frameshift variant.
Genome position (GRCh38, 1-based): chr13:32,340,036-32,340,037, AC duplicated. VCF-style (leftmost placement, unchanged base first): chr13-32340035-T-TAC. GRCh37 (hg19) VCF-style: chr13-32914172-T-TAC.
Other names: c.5681_5682dup, p.Glu1895Thrfs (NM_001406719.1, NM_001406720.1); short protein forms E1895fs.
Identifiers: ClinVar variation 1979461 (VCV001979461.4), dbSNP rs2548531466, ClinGen allele CA2580087633.